The following is an entry in ClinVar:

NM_004380.3(CREBBP):c.7269A>G (p.Glu2423=)

Gene: CREBBP (CREB binding lysine acetyltransferase; minus strand). Cytogenetic location: 16p13.3.
Variant type: single nucleotide variant.
Coding change: c.7269A>G on transcript NM_004380.3 (MANE Select); coding-DNA position 7269, A replaced by G.
Protein change: p.Glu2423=; no amino-acid change (glutamic acid 2423 retained).
Molecular consequence: synonymous variant.
Genome position (GRCh38, 1-based): chr16:3,727,778, T>C on the plus strand (A>G on the coding strand, the complement: CREBBP is on the minus strand). VCF-style: chr16-3727778-T-C. GRCh37 (hg19) VCF-style: chr16-3777779-T-C.
Other names: c.7155A>G, p.Glu2385= (NM_001079846.1).
Identifiers: ClinVar variation 3351846 (VCV003351846.1).

ClinVar aggregate classification (germline): Likely benign (0 of 4 stars; one submission).

Conditions:
CREBBP-related disorder. Also called: CREBBP-related condition; CREBBP-related disorders.

gnomAD v4.1: 2 of 1,614,106 alleles (0.00012%); highest among the groups gnomAD compares: Non-Finnish European, 0.000085%; no homozygotes.

Submission:

PreventionGenetics, part of Exact Sciences
Classification: Likely benign for CREBBP-related condition. Last evaluated: 2022-12-05. Review status: no assertion criteria provided. Collection method: clinical testing. Allele origin: germline.
Comment: This variant is classified as likely benign based on ACMG/AMP sequence variant interpretation guidelines (Richards et al. 2015 PMID: 25741868, with internal and published modifications).